The following is an entry in ClinVar:

NM_004807.3(HS6ST1):c.206A>G (p.Tyr69Cys)

Gene: HS6ST1 (heparan sulfate 6-O-sulfotransferase 1; minus strand). Cytogenetic location: 2q14.3.
Variant type: single nucleotide variant.
Coding change: c.206A>G on transcript NM_004807.3 (MANE Select); coding-DNA position 206, A replaced by G.
Protein change: p.Tyr69Cys; replaces tyrosine 69 with cysteine.
Molecular consequence: missense variant.
Genome position (GRCh38, 1-based): chr2:128,318,358, T>C on the plus strand (A>G on the coding strand, the complement: HS6ST1 is on the minus strand). VCF-style: chr2-128318358-T-C. GRCh37 (hg19) VCF-style: chr2-129075932-T-C.
Other names: short protein forms Y69C.
Identifiers: ClinVar variation 450657 (VCV000450657.2), dbSNP rs773201976, ClinGen allele CA1867660.

ClinVar aggregate classification (germline): Uncertain significance (1 of 4 stars; one submission).

Allele frequency attached by ClinVar (database versions not stated): ExAC 0.00003.

Submission:

GeneDx
Classification: Uncertain significance. Last evaluated: 2018-07-28. Review status: criteria provided, single submitter. Criteria: GeneDx Variant Classification (06012015). Collection method: clinical testing. Allele origin: germline. Affected: yes.
Comment: The Y69C variant in the HS6ST1 gene has not been reported previously as a pathogenic variant, nor as a benign variant, to our knowledge. The Y69C variant is not observed in large population cohorts (Lek et al., 2016; 1000 Genomes Consortium et al., 2015; Exome Variant Server). The Y69C variant is a non-conservative amino acid substitution, which is likely to impact secondary protein structure as these residues differ in polarity, charge, size and/or other properties. This substitution occurs at a position that is conserved in mammals. In silico analysis is inconsistent in its predictions as to whether or not the variant is damaging to the protein structure/function. We interpret Y69C as a variant of uncertain significance.